The following is an entry in ClinVar:

NM_178452.6(DNAAF1):c.2048T>C (p.Leu683Pro)

Gene: DNAAF1 (dynein axonemal assembly factor 1; plus strand). Cytogenetic location: 16q24.1.
Variant type: single nucleotide variant.
Coding change: c.2048T>C on transcript NM_178452.6 (MANE Select); coding-DNA position 2048, T replaced by C.
Protein change: p.Leu683Pro; replaces leucine 683 with proline.
Molecular consequence: missense variant.
Genome position (GRCh38, 1-based): chr16:84,176,282, T>C. VCF-style: chr16-84176282-T-C. GRCh37 (hg19) VCF-style: chr16-84209888-T-C.
Other names: c.1340T>C, p.Leu447Pro (NM_001318756.1); short protein forms L447P, L683P.
Identifiers: ClinVar variation 1785005 (VCV001785005.2), dbSNP rs778385409, ClinGen allele CA8203088.
Genomic context (GRCh38, chr16:84,176,282, plus strand): 5'-CCACCTGCCAAAGAGATGCTGCACCACTCACTTCCAGTGGAGACAGGGACAGCGACTTCC[T>C]TGCAGCCTCTTCTCCGGGTAAGAGCGTGGGGCCGAGAGCACAGTGGAGACAATGTTGGCT-3'
Protein context (NP_848547.4, residues 673-693): TSSGDRDSDF[Leu683Pro]AASSPVPTES

ClinVar aggregate classification (germline): Uncertain significance (1 of 4 stars; one submission).

Conditions:
Primary ciliary dyskinesia. Also called: Ciliary dyskinesia. Identifiers: Orphanet 244, MedGen C0008780, MONDO:0016575, HP:0012265.

Allele frequency attached by ClinVar (database versions not stated): ExAC 0.00001; gnomAD exomes 0.00001.
gnomAD v4.1: 9 of 1,613,318 alleles (0.00056%); highest among the groups gnomAD compares: South Asian, 0.0011%; no homozygotes.

Submission:

Ambry Genetics
Classification: Uncertain significance for Primary ciliary dyskinesia. Last evaluated: 2022-06-22. Review status: criteria provided, single submitter. Criteria: Ambry Variant Classification Scheme 2023. Collection method: clinical testing. Allele origin: germline.
Comment: The p.L683P variant (also known as c.2048T>C), located in coding exon 11 of the DNAAF1 gene, results from a T to C substitution at nucleotide position 2048. The leucine at codon 683 is replaced by proline, an amino acid with similar properties. This amino acid position is conserved. In addition, this alteration is predicted to be tolerated by in silico analysis. Since supporting evidence is limited at this time, the clinical significance of this alteration remains unclear.